The following is an entry in ClinVar:

NM_000143.4(FH):c.1109-20C>T

Gene: FH (fumarate hydratase; minus strand). Cytogenetic location: 1q43.
Variant type: single nucleotide variant.
Coding change: c.1109-20C>T on transcript NM_000143.4 (MANE Select); 20 bases into the intron before coding-DNA position 1109, C replaced by T.
Molecular consequence: intron variant.
Genome position (GRCh38, 1-based): chr1:241,502,590, G>A on the plus strand (C>T on the coding strand, the complement: FH is on the minus strand). VCF-style: chr1-241502590-G-A. GRCh37 (hg19) VCF-style: chr1-241665890-G-A.
Identifiers: ClinVar variation 1647557 (VCV001647557.9), dbSNP rs2147915068, ClinGen allele CA2573132920.

ClinVar aggregate classification (germline): Likely benign. Review status: criteria provided, multiple submitters, no conflicts (2 of 4 stars). 2 submissions from 2 submitters: Likely benign (2). Last evaluated 2024-12-16.

Conditions:
Hereditary leiomyomatosis and renal cell cancer. Also called: LEIOMYOMA, MULTIPLE CUTANEOUS; MULTIPLE CUTANEOUS AND UTERINE LEIOMYOMATA 1, WITH OR WITHOUT RENAL CELL CARCINOMA; FH tumor predisposition syndrome; Reed syndrome; Multiple cutaneous and uterine leiomyomatosis; Cutaneous leiomyomata with uterine leiomyomata. Identifiers: Orphanet 523, MedGen C1708350, MONDO:0007888, OMIM 150800, HP:0007437. Disease mechanism: loss of function.

Submissions (2):

Labcorp Genetics (formerly Invitae), Labcorp
Classification: Likely benign. Last evaluated: 2024-12-16. Review status: criteria provided, single submitter. Criteria: Invitae Variant Classification Sherloc (09022015). Collection method: clinical testing. Allele origin: germline.

Myriad Genetics, Inc.
Classification: Likely benign for Hereditary leiomyomatosis and renal cell cancer. Last evaluated: 2024-10-21. Review status: criteria provided, single submitter. Criteria: Myriad Autosomal Dominant, Autosomal Recessive and X-Linked Classification Criteria (2023). Collection method: clinical testing. Allele origin: unknown.
Comment: This variant is considered likely benign. This variant is intronic and is not expected to impact mRNA splicing.